The following is an entry in ClinVar:

NM_001048174.2(MUTYH):c.721_726del (p.Leu241_Val242del)

Gene: MUTYH (mutY DNA glycosylase; minus strand). Cytogenetic location: 1p34.1.
Variant type: Deletion.
Coding change: c.721_726del on transcript NM_001048174.2 (MANE Select); coding-DNA positions 721 to 726, 6 bases deleted (CTGGTG; older notation c.721_726delCTGGTG).
Protein change: p.Leu241_Val242del.
Molecular consequence: inframe deletion. On other transcripts: non-coding transcript variant (2).
Genome position (GRCh38, 1-based): chr1:45,332,289-45,332,294, CACCAG deleted on the plus strand (CTGGTG on the coding strand, the reverse complement: MUTYH is on the minus strand); deleting any 6 consecutive bases within chr1:45,332,289-45,332,295 gives the same sequence; the c. name uses the placement nearest the transcript's 3' end. VCF-style (leftmost placement, unchanged base first): chr1-45332288-CCACCAG-C. GRCh37 (hg19) VCF-style: chr1-45797960-CCACCAG-C.
Other names: c.721_726del, p.Leu241_Val242del (NM_001048171.2, NM_001048173.2, NM_001293195.2); c.724_729del, p.Leu242_Val243del (NM_001048172.2); c.805_810del, p.Leu269_Val270del (NM_001128425.2); c.766_771del, p.Leu256_Val257del (NM_001293190.2); c.754_759del, p.Leu252_Val253del (NM_001293191.2); c.445_450del, p.Leu149_Val150del (NM_001293192.2, NM_001293196.2); c.376_381del, p.Leu126_Val127del (NM_001350650.2, NM_001350651.2); c.796_801del, p.Leu266_Val267del (NM_012222.3).
Identifiers: ClinVar variation 1050952 (VCV001050952.9), dbSNP rs2149140459, ClinGen allele CA2499214763.

ClinVar aggregate classification (germline): Uncertain significance (1 of 4 stars; one submission).

Conditions:
Familial adenomatous polyposis 2. Also called: Adenomas, multiple colorectal; MUTYH Polyposis; COLORECTAL ADENOMATOUS POLYPOSIS, AUTOSOMAL RECESSIVE; ADENOMAS, MULTIPLE COLORECTAL, AUTOSOMAL RECESSIVE; FAP type 2; MUTYH-associated polyposis. Identifiers: Orphanet 220460, Orphanet 247798, MedGen C3272841, MONDO:0012041, OMIM 608456.

Submission:

Labcorp Genetics (formerly Invitae), Labcorp
Classification: Uncertain significance for Familial adenomatous polyposis 2. Last evaluated: 2020-08-25. Review status: criteria provided, single submitter. Criteria: Invitae Variant Classification Sherloc (09022015). Collection method: clinical testing. Allele origin: germline.
Comment: In summary, the available evidence is currently insufficient to determine the role of this variant in disease. Therefore, it has been classified as a Variant of Uncertain Significance. Experimental studies and prediction algorithms are not available or were not evaluated, and the functional significance of this variant is currently unknown. This variant has not been reported in the literature in individuals with MUTYH-related conditions. This variant is not present in population databases (ExAC no frequency). This variant, c.805_810del, results in the deletion of 2 amino acid(s) of the MUTYH protein (p.Leu269_Val270del), but otherwise preserves the integrity of the reading frame.